The following is an entry in ClinVar:

NM_000540.3(RYR1):c.1311C>G (p.Ile437Met)

Gene: RYR1 (ryanodine receptor 1; plus strand). Cytogenetic location: 19q13.2.
Variant type: single nucleotide variant.
Coding change: c.1311C>G on transcript NM_000540.3 (MANE Select); coding-DNA position 1311, C replaced by G.
Protein change: p.Ile437Met; replaces isoleucine 437 with methionine.
Molecular consequence: missense variant.
Genome position (GRCh38, 1-based): chr19:38,452,885, C>G. VCF-style: chr19-38452885-C-G. GRCh37 (hg19) VCF-style: chr19-38943525-C-G.
Other names: c.1311C>G, p.Ile437Met (NM_001042723.2); short protein forms I437M.
Identifiers: ClinVar variation 1394305 (VCV001394305.9), dbSNP rs777029846, ClinGen allele CA059585.

ClinVar aggregate classification (germline): Uncertain significance. Review status: criteria provided, multiple submitters, no conflicts (2 of 4 stars). 4 submissions from 4 submitters: Uncertain significance (4). Last evaluated 2025-08-18.

Conditions:
RYR1-related disorder. Also called: RYR1-related disorders; RYR1-related condition. Identifiers: MedGen CN239331.
Malignant hyperthermia, susceptibility to, 1 (MHS1). Also called: RYR1-Related Malignant Hyperthermia Susceptibility; Malignant hyperthermia suceptibility 1; Anesthesia related hyperthermia; Malignant hyperpyrexia; Fulminating hyperpyrexia; Pharmacogenic myopathy. Identifiers: Orphanet 423, MedGen C2930980, MONDO:0007783, OMIM 145600.

gnomAD v4.1: 31 of 1,611,974 alleles (0.0019%); highest among the groups gnomAD compares: Non-Finnish European, 0.0025%; no homozygotes.

Submissions (4):

Labcorp Genetics (formerly Invitae), Labcorp
Classification: Uncertain significance for RYR1-related disorder. Last evaluated: 2025-08-18. Review status: criteria provided, single submitter. Criteria: Invitae Variant Classification Sherloc (09022015). Collection method: clinical testing. Allele origin: germline.
Comment: This sequence change replaces isoleucine, which is neutral and non-polar, with methionine, which is neutral and non-polar, at codon 437 of the RYR1 protein (p.Ile437Met). This variant is present in population databases (rs777029846, gnomAD 0.002%). This variant has not been reported in the literature in individuals affected with RYR1-related conditions. ClinVar contains an entry for this variant (Variation ID: 1394305). Invitae Evidence Modeling of protein sequence and biophysical properties (such as structural, functional, and spatial information, amino acid conservation, physicochemical variation, residue mobility, and thermodynamic stability) indicates that this missense variant is not expected to disrupt RYR1 protein function with a negative predictive value of 95%. In summary, the available evidence is currently insufficient to determine the role of this variant in disease. Therefore, it has been classified as a Variant of Uncertain Significance.

Color Diagnostics, LLC DBA Color Health
Classification: Uncertain significance for Malignant hyperthermia, susceptibility to, 1. Last evaluated: 2025-06-09. Review status: criteria provided, single submitter. Criteria: ACMG Guidelines, 2015. Collection method: clinical testing. Allele origin: germline.
Comment: This missense variant replaces isoleucine with methionine at codon 437 of the RYR1 protein. Computational prediction is inconclusive regarding the impact of this variant on protein structure and function. To our knowledge, functional studies have not been reported for this variant. This variant has not been reported in individuals affected with RYR1-related disorders in the literature. This variant has been identified in 2/244642 chromosomes in the general population by the Genome Aggregation Database (gnomAD). The available evidence is insufficient to determine the role of this variant in disease conclusively. Therefore, this variant is classified as a Variant of Uncertain Significance.

Revvity Omics, Revvity
Classification: Uncertain significance. Last evaluated: 2023-12-26. Review status: criteria provided, single submitter. Criteria: ACMG Guidelines, 2015. Collection method: clinical testing. Allele origin: germline.

All of Us Research Program, National Institutes of Health
Classification: Uncertain significance for Malignant hyperthermia, susceptibility to, 1. Last evaluated: 2023-12-18. Review status: criteria provided, single submitter. Criteria: ACMG Guidelines, 2015. Collection method: clinical testing. Allele origin: germline. Inheritance: Autosomal dominant inheritance. Observed: 3 variant alleles, 3 heterozygotes.
Comment: This missense variant replaces isoleucine with methionine at codon 437 of the RYR1 protein. Computational prediction is inconclusive regarding the impact of this variant on protein structure and function (internally defined REVEL score threshold 0.5 < inconclusive < 0.7, PMID: 27666373). To our knowledge, functional studies have not been reported for this variant. This variant has not been reported in individuals affected with RYR1-related disorders in the literature. This variant has been identified in 2/244642 chromosomes in the general population by the Genome Aggregation Database (gnomAD). The available evidence is insufficient to determine the role of this variant in disease conclusively. Therefore, this variant is classified as a Variant of Uncertain Significance.

This study involves interpretation of variants in research participants for the purpose of population health screening. Participant phenotype was not available at the time of variant classification. Additional details can be found in publication PMID: 35346344, PMCID: PMC8962531